The following is an entry in ClinVar:

ClinVar aggregate classification (germline): Uncertain significance (1 of 4 stars; one submission).

Submission:

Labcorp Genetics (formerly Invitae), Labcorp
Classification: Uncertain significance. Last evaluated: 2024-01-29. Review status: criteria provided, single submitter. Criteria: Invitae Variant Classification Sherloc (09022015). Collection method: clinical testing. Allele origin: germline.
Comment: This sequence change replaces leucine, which is neutral and non-polar, with serine, which is neutral and polar, at codon 70 of the MYSM1 protein (p.Leu70Ser). This variant is not present in population databases (gnomAD no frequency). This variant has not been reported in the literature in individuals affected with MYSM1-related conditions. Advanced modeling of protein sequence and biophysical properties (such as structural, functional, and spatial information, amino acid conservation, physicochemical variation, residue mobility, and thermodynamic stability) performed at Invitae indicates that this missense variant is expected to disrupt MYSM1 protein function with a positive predictive value of 80%. In summary, the available evidence is currently insufficient to determine the role of this variant in disease. Therefore, it has been classified as a Variant of Uncertain Significance.

NM_001085487.3(MYSM1):c.209T>C (p.Leu70Ser)

Gene: MYSM1 (Myb like, SWIRM and MPN domains 1; minus strand). Cytogenetic location: 1p32.1.
Variant type: single nucleotide variant.
Coding change: c.209T>C on transcript NM_001085487.3 (MANE Select); coding-DNA position 209, T replaced by C.
Protein change: p.Leu70Ser; replaces leucine 70 with serine.
Molecular consequence: missense variant.
Genome position (GRCh38, 1-based): chr1:58,692,870, A>G on the plus strand (T>C on the coding strand, the complement: MYSM1 is on the minus strand). VCF-style: chr1-58692870-A-G. GRCh37 (hg19) VCF-style: chr1-59158542-A-G.
Other names: short protein forms L70S.
Identifiers: ClinVar variation 2808577 (VCV002808577.3), dbSNP rs776249864, ClinGen allele CA340533330.